The following is an entry in ClinVar:

ClinVar aggregate classification (germline): Conflicting classifications of pathogenicity. Review status: criteria provided, conflicting classifications (1 of 4 stars). 5 submissions from 5 submitters: Uncertain significance (1); Likely benign (3). 1 of the submissions does not count toward it. Last evaluated 2024-11-06.

Conditions:
LHFPL5-related disorder. Also called: LHFPL5-related condition.

Allele frequency attached by ClinVar (database versions not stated): gnomAD 0.00008 and 0.00009; ESP Exome Variant Server 0.00015; ExAC 0.00016; gnomAD exomes 0.00017 and 0.00020; TOPMed 0.00020.
gnomAD v4.1: 323 of 1,613,604 alleles (0.02%); highest among the groups gnomAD compares: Middle Eastern, 0.066%; no homozygotes.

Submissions (5):

Blueprint Genetics
Classification: Likely benign. Last evaluated: 2024-11-06. Review status: criteria provided, single submitter. Criteria: ACMG Guidelines, 2015. Collection method: clinical testing. Allele origin: germline.

Labcorp Genetics (formerly Invitae), Labcorp
Classification: Uncertain significance. Last evaluated: 2022-07-21. Review status: criteria provided, single submitter. Criteria: Invitae Variant Classification Sherloc (09022015). Collection method: clinical testing. Allele origin: germline.
Comment: In summary, the available evidence is currently insufficient to determine the role of this variant in disease. Therefore, it has been classified as a Variant of Uncertain Significance. Algorithms developed to predict the effect of sequence changes on RNA splicing suggest that this variant is not likely to affect RNA splicing. ClinVar contains an entry for this variant (Variation ID: 227500). This variant has not been reported in the literature in individuals affected with LHFPL5-related conditions. This variant is present in population databases (rs140326236, gnomAD 0.03%). This sequence change affects codon 137 of the LHFPL5 mRNA. It is a 'silent' change, meaning that it does not change the encoded amino acid sequence of the LHFPL5 protein. It affects a nucleotide within the consensus splice site.

GeneDx
Classification: Likely benign. Last evaluated: 2020-08-10. Review status: criteria provided, single submitter. Criteria: GeneDx Variant Classification Process June 2021. Collection method: clinical testing. Allele origin: germline. Affected: yes.

Laboratory for Molecular Medicine, Mass General Brigham Personalized Medicine
Classification: Likely benign. Last evaluated: 2015-04-30. Review status: criteria provided, single submitter. Criteria: LMM Criteria. Collection method: clinical testing. Allele origin: germline. Observed: 1 variant allele.
Comment: p.Ala137Ala in exon 1 of LHFPL5: This variant is not expected to have clinical s ignificance because it does not alter an amino acid residue and has been identif ied in 14/63960 European chromosomes by the Exome Aggregation Consortium (ExAC; dbSNP rs140326236). This variant is located in t he last three bases of the exon, which is part of the 5? splice region. However, computational tools do not suggest an impact to splicing, this nucleotide posit ion is not highly conserved through species and a G>A change at this position do es not diverge from the splice consensus sequence and is therefore unlikely to i mpact splicing.

PreventionGenetics, part of Exact Sciences
Classification: Likely benign for LHFPL5-related condition. Last evaluated: 2019-11-14. Review status: no assertion criteria provided. Collection method: clinical testing. Allele origin: germline. Not counted in ClinVar's aggregate classification.
Comment: This variant is classified as likely benign based on ACMG/AMP sequence variant interpretation guidelines (Richards et al. 2015 PMID: 25741868, with internal and published modifications).

NM_182548.4(LHFPL5):c.411G>A (p.Ala137=)

Gene: LHFPL5 (LHFPL tetraspan subfamily member 5; plus strand). Cytogenetic location: 6p21.31.
Variant type: single nucleotide variant.
Coding change: c.411G>A on transcript NM_182548.4 (MANE Select); coding-DNA position 411, G replaced by A.
Protein change: p.Ala137=; no amino-acid change (alanine 137 retained).
Molecular consequence: synonymous variant.
Genome position (GRCh38, 1-based): chr6:35,806,081, G>A. VCF-style: chr6-35806081-G-A. GRCh37 (hg19) VCF-style: chr6-35773858-G-A.
Identifiers: ClinVar variation 227500 (VCV000227500.13), dbSNP rs140326236, ClinGen allele CA3774388.